The following is an entry in ClinVar:

NM_002470.4(MYH3):c.3682del (p.Glu1228fs)

Gene: MYH3 (myosin heavy chain 3; minus strand). Cytogenetic location: 17p13.1.
Variant type: Deletion.
Coding change: c.3682del on transcript NM_002470.4 (MANE Select); coding-DNA position 3682, one base deleted (G; older notation c.3682delG).
Protein change: p.Glu1228fs; shifts the reading frame from glutamic acid 1228.
Molecular consequence: frameshift variant.
Genome position (GRCh38, 1-based): chr17:10,638,090, C deleted on the plus strand (G on the coding strand, the reverse complement: MYH3 is on the minus strand); the first of 2 consecutive C bases (chr17:10,638,090-10,638,091); deleting either gives the same sequence. VCF-style (leftmost placement, unchanged base first): chr17-10638089-TC-T. GRCh37 (hg19) VCF-style: chr17-10541406-TC-T.
Other names: short protein forms E1228fs.
Identifiers: ClinVar variation 4991665 (VCV004991665.1).

ClinVar aggregate classification (germline): Likely pathogenic (1 of 4 stars; one submission).

Conditions:
MYH3-related disorder. Also called: MYH3-Related Disorders; MYH3-related condition. Identifiers: MedGen CN239329.

Submission:

PreventionGenetics, part of Exact Sciences
Classification: Likely pathogenic for MYH3-related condition. Last evaluated: 2026-01-12. Review status: criteria provided, single submitter. Criteria: ACMG Guidelines, 2015. Collection method: clinical testing. Allele origin: germline.
Comment: The MYH3 c.3682delG variant is predicted to result in a frameshift and premature protein termination (p.Glu1228Argfs*30). To our knowledge, this variant has not been reported in the literature or in a large population database (gnomAD), indicating this variant is rare. Frameshift variants in MYH3 are expected to be pathogenic for autosomal recessive MYH3-related disease. This variant is interpreted as likely pathogenic.